The following is an entry in ClinVar:

NM_001377.3(DYNC2H1):c.10662G>A (p.Met3554Ile)

Gene: DYNC2H1 (dynein cytoplasmic 2 heavy chain 1; plus strand). Cytogenetic location: 11q22.3.
Variant type: single nucleotide variant.
Coding change: c.10662G>A on transcript NM_001377.3 (MANE Select); coding-DNA position 10662, G replaced by A.
Protein change: p.Met3554Ile; replaces methionine 3554 with isoleucine.
Molecular consequence: missense variant.
Genome position (GRCh38, 1-based): chr11:103,259,944, G>A. VCF-style: chr11-103259944-G-A. GRCh37 (hg19) VCF-style: chr11-103130673-G-A.
Other names: c.10683G>A, p.Met3561Ile (NM_001080463.2); short protein forms M3561I, M3554I.
Identifiers: ClinVar variation 1389809 (VCV001389809.3), dbSNP rs1453829346, ClinGen allele CA382252670.
Genomic context (GRCh38, chr11:103,259,944, plus strand): 5'-ACAGGATTCTGAAAATACAGAACAGAGAATCCAGTCACTTATCAGCTCATTACAACATAT[G>A]GTATATGAATATATATGTCGTTGTCTATTTAAGGTAAGAAGCATCATATTTTTCAAATAT-3'
Protein context (NP_001368.2, residues 3544-3564): IQSLISSLQH[Met3554Ile]VYEYICRCLF

ClinVar aggregate classification (germline): Uncertain significance (1 of 4 stars; one submission).

Conditions:
Jeune thoracic dystrophy. Also called: Jeune syndrome; Infantile thoracic dystrophy; Thoracic pelvic phalangeal dystrophy; Jeune's syndrome; Chondroectodermal dysplasia-like syndrome; Short-rib thoracic dysplasia. Identifiers: Orphanet 474, MedGen C0265275, MONDO:0018770.

Allele frequency attached by ClinVar (database versions not stated): gnomAD exomes below 0.00001; TOPMed below 0.00001; gnomAD 0.00001.
gnomAD v4.1: 2 of 1,530,540 alleles (0.00013%); highest among the groups gnomAD compares: Non-Finnish European, 0.00018%; no homozygotes.

Submission:

Labcorp Genetics (formerly Invitae), Labcorp
Classification: Uncertain significance for Jeune thoracic dystrophy. Last evaluated: 2021-10-03. Review status: criteria provided, single submitter. Criteria: Invitae Variant Classification Sherloc (09022015). Collection method: clinical testing. Allele origin: germline.
Comment: This sequence change replaces methionine with isoleucine at codon 3561 of the DYNC2H1 protein (p.Met3561Ile). The methionine residue is moderately conserved and there is a small physicochemical difference between methionine and isoleucine. This variant is not present in population databases (ExAC no frequency). This variant has not been reported in the literature in individuals affected with DYNC2H1-related conditions. Advanced modeling of protein sequence and biophysical properties (such as structural, functional, and spatial information, amino acid conservation, physicochemical variation, residue mobility, and thermodynamic stability) performed at Invitae indicates that this missense variant is not expected to disrupt DYNC2H1 protein function. In summary, the available evidence is currently insufficient to determine the role of this variant in disease. Therefore, it has been classified as a Variant of Uncertain Significance.